The following is an entry in ClinVar:

ClinVar aggregate classification (germline): Uncertain significance. Review status: criteria provided, multiple submitters, no conflicts (2 of 4 stars). 2 submissions from 2 submitters: Uncertain significance (2). Last evaluated 2025-06-22.

Allele frequency attached by ClinVar (database versions not stated): gnomAD exomes below 0.00001; gnomAD 0.00001; TOPMed 0.00001.
gnomAD v4.1: 6 of 1,613,746 alleles (0.00037%); highest among the groups gnomAD compares: Non-Finnish European, 0.00042%; no homozygotes.

Submissions (2):

Ambry Genetics
Classification: Uncertain significance. Last evaluated: 2025-06-22. Review status: criteria provided, single submitter. Criteria: Ambry Variant Classification Scheme 2023. Collection method: clinical testing. Allele origin: germline.

Labcorp Genetics (formerly Invitae), Labcorp
Classification: Uncertain significance. Last evaluated: 2022-01-21. Review status: criteria provided, single submitter. Criteria: Invitae Variant Classification Sherloc (09022015). Collection method: clinical testing. Allele origin: germline.
Comment: Algorithms developed to predict the effect of sequence changes on RNA splicing suggest that this variant may create or strengthen a splice site. In summary, the available evidence is currently insufficient to determine the role of this variant in disease. Therefore, it has been classified as a Variant of Uncertain Significance. Advanced modeling of protein sequence and biophysical properties (such as structural, functional, and spatial information, amino acid conservation, physicochemical variation, residue mobility, and thermodynamic stability) performed at Invitae indicates that this missense variant is not expected to disrupt ATP2B2 protein function. This variant has not been reported in the literature in individuals affected with ATP2B2-related conditions. This variant is not present in population databases (gnomAD no frequency). This sequence change replaces arginine, which is basic and polar, with glutamine, which is neutral and polar, at codon 1129 of the ATP2B2 protein (p.Arg1129Gln).

NM_001001331.4(ATP2B2):c.3521G>A (p.Arg1174Gln)

Gene: ATP2B2 (ATPase plasma membrane Ca2+ transporting 2; minus strand). Cytogenetic location: 3p25.3.
Variant type: single nucleotide variant.
Coding change: c.3521G>A on transcript NM_001001331.4 (MANE Select); coding-DNA position 3521, G replaced by A.
Protein change: p.Arg1174Gln; replaces arginine 1174 with glutamine.
Molecular consequence: missense variant. On other transcripts: 3 prime UTR variant (2).
Genome position (GRCh38, 1-based): chr3:10,329,025, C>T on the plus strand (G>A on the coding strand, the complement: ATP2B2 is on the minus strand). VCF-style: chr3-10329025-C-T. GRCh37 (hg19) VCF-style: chr3-10370709-C-T.
Other names: c.3386G>A (NM_001683.3); c.*148G>A (NM_001330611.3); c.3386G>A, p.Arg1129Gln (NM_001353564.1, NM_001683.5); c.*75G>A (NM_001363862.1); short protein forms R1129Q, R1174Q.
Identifiers: ClinVar variation 1976291 (VCV001976291.6), dbSNP rs1215036750, ClinGen allele CA351773339.